The following is an entry in ClinVar:

ClinVar aggregate classification (germline): Uncertain significance. Review status: criteria provided, multiple submitters, no conflicts (2 of 4 stars). 2 submissions from 2 submitters: Uncertain significance (2). Last evaluated 2022-06-13.

Conditions:
Cromer blood group system (CROM). Also called: CROMER BLOOD GROUP SYSTEM, Inab PHENOTYPE. Identifiers: MedGen C1292305, OMIM 613793.
Complement hyperactivation-angiopathic thrombosis-protein-losing enteropathy syndrome. Also called: COMPLEMENT HYPERACTIVATION, ANGIOPATHIC THROMBOSIS, AND PROTEIN-LOSING ENTEROPATHY. Identifiers: Orphanet 566175, MedGen C4538570, MONDO:0009174, OMIM 226300.

Allele frequency attached by ClinVar (database versions not stated): ExAC 0.00002; gnomAD 0.00003; TOPMed 0.00003; gnomAD exomes 0.00004.
gnomAD v4.1: 97 of 1,605,066 alleles (0.006%); highest among the groups gnomAD compares: Non-Finnish European, 0.0081%; no homozygotes.

Submissions (2):

Labcorp Genetics (formerly Invitae), Labcorp
Classification: Uncertain significance. Last evaluated: 2022-06-13. Review status: criteria provided, single submitter. Criteria: Invitae Variant Classification Sherloc (09022015). Collection method: clinical testing. Allele origin: germline.
Comment: This sequence change affects a donor splice site in intron 9 of the CD55 gene. While this variant is not anticipated to result in nonsense mediated decay, it likely alters RNA splicing and results in a disrupted protein product. This variant is present in population databases (rs746324299, gnomAD 0.01%). This variant has not been reported in the literature in individuals affected with CD55-related conditions. Variants that disrupt the consensus splice site are a relatively common cause of aberrant splicing (PMID: 17576681, 9536098). Algorithms developed to predict the effect of sequence changes on RNA splicing suggest that this variant may disrupt the consensus splice site. In summary, the available evidence is currently insufficient to determine the role of this variant in disease. Therefore, it has been classified as a Variant of Uncertain Significance.

Fulgent Genetics
Classification: Uncertain significance for Complement hyperactivation-angiopathic thrombosis-protein-losing enteropathy syndrome; Cromer blood group system. Last evaluated: 2021-12-14. Review status: criteria provided, single submitter. Criteria: ACMG Guidelines, 2015. Collection method: clinical testing. Allele origin: unknown.

Literature cited by the submitters: PubMed 17576681 (cited by Labcorp Genetics (formerly Invitae), Labcorp); PubMed 9536098 (cited by Labcorp Genetics (formerly Invitae), Labcorp).

NM_000574.5(CD55):c.1081+1G>C

Gene: CD55 (CD55 molecule (Cromer blood group); plus strand). Cytogenetic location: 1q32.2.
Variant type: single nucleotide variant.
Coding change: c.1081+1G>C on transcript NM_000574.5 (MANE Select); the canonical splice donor site of the intron after coding-DNA position 1081, G replaced by C.
Molecular consequence: splice donor variant.
Genome position (GRCh38, 1-based): chr1:207,339,418, G>C. VCF-style: chr1-207339418-G-C. GRCh37 (hg19) VCF-style: chr1-207512763-G-C.
Other names: c.1081+1G>C (NM_001114752.3, NM_001300903.2, NM_001300904.2 and 1 more transcripts).
Identifiers: ClinVar variation 1346393 (VCV001346393.6), dbSNP rs746324299, ClinGen allele CA1368205.